The following is an entry in ClinVar:

NM_014225.6(PPP2R1A):c.842C>G (p.Thr281Arg)

Gene: PPP2R1A (protein phosphatase 2 scaffold subunit Aalpha; plus strand). Cytogenetic location: 19q13.41.
Variant type: single nucleotide variant.
Coding change: c.842C>G on transcript NM_014225.6 (MANE Select); coding-DNA position 842, C replaced by G.
Protein change: p.Thr281Arg; replaces threonine 281 with arginine.
Molecular consequence: missense variant. On other transcripts: non-coding transcript variant (1).
Genome position (GRCh38, 1-based): chr19:52,215,813, C>G. VCF-style: chr19-52215813-C-G. GRCh37 (hg19) VCF-style: chr19-52719066-C-G.
Other names: c.305C>G, p.Thr102Arg (NM_001363656.2); short protein forms T102R, T281R.
Identifiers: ClinVar variation 1493082 (VCV001493082.8), dbSNP rs1568595903, ClinGen allele CA407186233.

ClinVar aggregate classification (germline): Uncertain significance (1 of 4 stars; one submission).

Submission:

Labcorp Genetics (formerly Invitae), Labcorp
Classification: Uncertain significance. Last evaluated: 2022-06-27. Review status: criteria provided, single submitter. Criteria: Invitae Variant Classification Sherloc (09022015). Collection method: clinical testing. Allele origin: germline.
Comment: In summary, the available evidence is currently insufficient to determine the role of this variant in disease. Therefore, it has been classified as a Variant of Uncertain Significance. Algorithms developed to predict the effect of missense changes on protein structure and function are either unavailable or do not agree on the potential impact of this missense change (SIFT: "Deleterious"; PolyPhen-2: "Benign"; Align-GVGD: "Class C0"). This variant has not been reported in the literature in individuals affected with PPP2R1A-related conditions. This variant is not present in population databases (gnomAD no frequency). This sequence change replaces threonine, which is neutral and polar, with arginine, which is basic and polar, at codon 281 of the PPP2R1A protein (p.Thr281Arg).